The following is an entry in ClinVar:

ClinVar aggregate classification (germline): Likely benign. Review status: criteria provided, single submitter (1 of 4 stars). 2 submissions from 2 submitters: Likely benign (1). 1 of the submissions does not count toward it. Last evaluated 2025-07-14.

Conditions:
PALLD-related disorder. Also called: PALLD-related condition.
Pancreatic adenocarcinoma. Identifiers: MedGen C0281361, MONDO:0006047, HP:0006725.

Allele frequency attached by ClinVar (database versions not stated): gnomAD 0.00016 and 0.00019; TOPMed 0.00020; ESP Exome Variant Server 0.00046.
gnomAD v4.1: 77 of 1,590,328 alleles (0.0048%); highest among the groups gnomAD compares: African/African-American, 0.044%; no homozygotes.

Submissions (2):

Labcorp Genetics (formerly Invitae), Labcorp
Classification: Likely benign for Pancreatic adenocarcinoma. Last evaluated: 2025-07-14. Review status: criteria provided, single submitter. Criteria: Invitae Variant Classification Sherloc (09022015). Collection method: clinical testing. Allele origin: germline.

PreventionGenetics, part of Exact Sciences
Classification: Likely benign for PALLD-related condition. Last evaluated: 2021-11-08. Review status: no assertion criteria provided. Collection method: clinical testing. Allele origin: germline. Not counted in ClinVar's aggregate classification.
Comment: This variant is classified as likely benign based on ACMG/AMP sequence variant interpretation guidelines (Richards et al. 2015 PMID: 25741868, with internal and published modifications).

NM_001166108.2(PALLD):c.2101-9G>A

Genes: CBR4 (carbonyl reductase 4; minus strand), PALLD (palladin, cytoskeletal associated protein; plus strand). Cytogenetic location: 4q32.3.
Variant type: single nucleotide variant.
Coding change: c.2101-9G>A on transcript NM_001166108.2 (MANE Select); 9 bases into the intron before coding-DNA position 2101, G replaced by A.
Molecular consequence: intron variant.
Genome position (GRCh38, 1-based): chr4:168,894,570, G>A. VCF-style: chr4-168894570-G-A. GRCh37 (hg19) VCF-style: chr4-169815721-G-A.
Other names: c.2101-9G>A (NM_016081.4, NM_016081.3); c.955-9G>A (NM_001166109.2); c.640-9G>A (NM_001166110.2); c.-21-9G>A (NM_001367570.1, NM_001367568.1, NM_001367567.1 and 1 more transcripts).
Identifiers: ClinVar variation 136010 (VCV000136010.13), dbSNP rs368890611, ClinGen allele CA332747.